The following is an entry in ClinVar:

ClinVar aggregate classification (germline): Benign/Likely benign. Review status: criteria provided, multiple submitters, no conflicts (2 of 4 stars). 10 submissions from 10 submitters: Benign (4); Likely benign (2). 4 of the submissions do not count toward it. Last evaluated 2026-09-01.

Conditions:
Cardioencephalomyopathy, fatal infantile, due to cytochrome c oxidase deficiency 1 (MC4DN2). Also called: CYTOCHROME c OXIDASE DEFICIENCY, FATAL INFANTILE, WITH CARDIOENCEPHALOMYOPATHY; MITOCHONDRIAL COMPLEX IV DEFICIENCY, NUCLEAR TYPE 2. Identifiers: Orphanet 1561, MedGen C5399977, MONDO:0011451, OMIM 604377.

Allele frequency attached by ClinVar (database versions not stated): 1000 Genomes Project 30x 0.00156; 1000 Genomes Project 0.00180; ExAC 0.00584; TOPMed 0.00623; gnomAD 0.00755; ESP Exome Variant Server 0.00861.
gnomAD v4.1: 14,019 of 1,613,860 alleles (0.87%); highest among the groups gnomAD compares: Non-Finnish European, 1.1%; 75 homozygotes.

Submissions (10):

CeGaT Center for Human Genetics Tuebingen
Classification: Benign. Last evaluated: 2026-09-01. Review status: criteria provided, single submitter. Criteria: CeGaT Center For Human Genetics Tuebingen Variant Classification Criteria Version 2. Collection method: clinical testing. Allele origin: germline. Affected: yes. Observed: 52 variant alleles.
Comment: SCO2: BP4, BP7, BS1, BS2

Labcorp Genetics (formerly Invitae), Labcorp
Classification: Benign. Last evaluated: 2026-02-04. Review status: criteria provided, single submitter. Criteria: Invitae Variant Classification Sherloc (09022015). Collection method: clinical testing. Allele origin: germline.

Blueprint Genetics
Classification: Likely benign. Last evaluated: 2024-11-28. Review status: criteria provided, single submitter. Criteria: ACMG Guidelines, 2015. Collection method: clinical testing. Allele origin: germline.

Illumina Laboratory Services, Illumina
Classification: Likely benign for Cardioencephalomyopathy, fatal infantile, due to cytochrome c oxidase deficiency 1. Last evaluated: 2018-01-13. Review status: criteria provided, single submitter. Criteria: ICSL Variant Classification Criteria 13 December 2019. Collection method: clinical testing. Allele origin: germline.
Comment: This variant was observed in the ICSL laboratory as part of a predisposition screen in an ostensibly healthy population. It had not been previously curated by ICSL or reported in the Human Gene Mutation Database (HGMD: prior to June 1st, 2018), and was therefore a candidate for classification through an automated scoring system. Utilizing variant allele frequency, disease prevalence and penetrance estimates, and inheritance mode, an automated score was calculated to assess if this variant is too frequent to cause the disease. Based on the score and internal cut-off values, a variant classified as likely benign is not then subjected to further curation. The score for this variant resulted in a classification of likely benign for this disease.

Eurofins Ntd Llc (ga)
Classification: Benign. Last evaluated: 2016-11-07. Review status: criteria provided, single submitter. Criteria: EGL Classification Definitions 2015. Collection method: clinical testing. Allele origin: germline. Observed: 1 variant allele, 1 heterozygote.

GeneDx
Classification: Benign. Last evaluated: 2011-12-09. Review status: criteria provided, single submitter. Criteria: GeneDx Variant Classification (06012015). Collection method: clinical testing. Allele origin: germline. Affected: yes.
Comment: This variant is considered likely benign or benign based on one or more of the following criteria: it is a conservative change, it occurs at a poorly conserved position in the protein, it is predicted to be benign by multiple in silico algorithms, and/or has population frequency not consistent with disease.

Mayo Clinic Laboratories, Mayo Clinic
Classification: Benign. Last evaluated: 2016-02-26. Review status: no assertion criteria provided. Collection method: clinical testing. Allele origin: unknown. Not counted in ClinVar's aggregate classification.

Clinical Genetics, Academic Medical Center
Classification: Likely benign. Review status: no assertion criteria provided. Collection method: clinical testing. Allele origin: germline. Affected: yes. Study: VKGL Data-share Consensus. Not counted in ClinVar's aggregate classification.

Diagnostic Laboratory, Department of Genetics, University Medical Center Groningen
Classification: Likely benign. Review status: no assertion criteria provided. Collection method: clinical testing. Allele origin: germline. Affected: yes. Study: VKGL Data-share Consensus. Not counted in ClinVar's aggregate classification.

Laboratory of Diagnostic Genome Analysis, Leiden University Medical Center (LUMC)
Classification: Likely benign. Review status: no assertion criteria provided. Collection method: clinical testing. Allele origin: germline. Affected: yes. Study: VKGL Data-share Consensus. Not counted in ClinVar's aggregate classification.

NM_005138.3(SCO2):c.763C>A (p.Arg255=)

Genes: SCO2 (synthesis of cytochrome C oxidase 2; minus strand), NCAPH2 (non-SMC condensin II complex subunit H2; plus strand). Cytogenetic location: 22q13.33.
Variant type: single nucleotide variant.
Coding change: c.763C>A on transcript NM_005138.3 (MANE Select); coding-DNA position 763, C replaced by A.
Protein change: p.Arg255=; no amino-acid change (arginine 255 retained).
Molecular consequence: synonymous variant. On other transcripts: 3 prime UTR variant (2).
Genome position (GRCh38, 1-based): chr22:50,523,649, G>T on the plus strand (C>A on the coding strand, the complement: SCO2 is on the minus strand). VCF-style: chr22-50523649-G-T. GRCh37 (hg19) VCF-style: chr22-50962078-G-T.
Other names: p.R255R:CGG>AGG; c.*274G>T (NM_001185011.2, NM_152299.4); c.763C>A, p.Arg255= (NM_001169109.2, NM_001169110.1, NM_001169111.2).
Identifiers: ClinVar variation 139087 (VCV000139087.58), dbSNP rs112793292, ClinGen allele CA293453.